The following is an entry in ClinVar:

ClinVar aggregate classification (germline): Uncertain significance. Review status: criteria provided, multiple submitters, no conflicts (2 of 4 stars). 2 submissions from 2 submitters: Uncertain significance (2). Last evaluated 2025-08-29.

Allele frequency attached by ClinVar (database versions not stated): TOPMed below 0.00001.
gnomAD v4.1: 24 of 1,614,118 alleles (0.0015%); highest among the groups gnomAD compares: Non-Finnish European, 0.0018%; no homozygotes.

Submissions (2):

Labcorp Genetics (formerly Invitae), Labcorp
Classification: Uncertain significance. Last evaluated: 2025-08-29. Review status: criteria provided, single submitter. Criteria: Invitae Variant Classification Sherloc (09022015). Collection method: clinical testing. Allele origin: germline.
Comment: This sequence change replaces glycine, which is neutral and non-polar, with tryptophan, which is neutral and slightly polar, at codon 116 of the KCNK4 protein (p.Gly116Trp). This variant is not present in population databases (gnomAD no frequency). This variant has not been reported in the literature in individuals affected with KCNK4-related conditions. ClinVar contains an entry for this variant (Variation ID: 2086129). An algorithm developed to predict the effect of missense changes on protein structure and function (PolyPhen-2) suggests that this variant is likely to be disruptive. In summary, the available evidence is currently insufficient to determine the role of this variant in disease. Therefore, it has been classified as a Variant of Uncertain Significance.

Ambry Genetics
Classification: Uncertain significance. Last evaluated: 2025-08-21. Review status: criteria provided, single submitter. Criteria: Ambry Variant Classification Scheme 2023. Collection method: clinical testing. Allele origin: germline.

NM_033310.3(KCNK4):c.346G>T (p.Gly116Trp)

Genes: KCNK4 (potassium two pore domain channel subfamily K member 4; plus strand), KCNK4-CATSPERZ (KCNK4-CATSPERZ readthrough (NMD candidate); plus strand). Cytogenetic location: 11q13.1.
Variant type: single nucleotide variant.
Coding change: c.346G>T on transcript NM_033310.3 (MANE Select); coding-DNA position 346, G replaced by T.
Protein change: p.Gly116Trp; replaces glycine 116 with tryptophan.
Molecular consequence: missense variant. On other transcripts: non-coding transcript variant (3).
Genome position (GRCh38, 1-based): chr11:64,297,151, G>T. VCF-style: chr11-64297151-G-T. GRCh37 (hg19) VCF-style: chr11-64064623-G-T.
Other names: c.346G>T (NM_033310.2); c.346G>T, p.Gly116Trp (NM_001317090.2, NM_033311.1); short protein forms G116W.
Identifiers: ClinVar variation 2086129 (VCV002086129.5), dbSNP rs1405790645, ClinGen allele CA381163882.